The following is an entry in ClinVar:

ClinVar aggregate classification (germline): Uncertain significance (1 of 4 stars; one submission).

gnomAD v4.1: 1 of 1,606,120 alleles (0.000062%); highest among the groups gnomAD compares: Non-Finnish European, 0.000085%; no homozygotes.

Submission:

Women's Health and Genetics/Laboratory Corporation of America, LabCorp
Classification: Uncertain significance. Last evaluated: 2026-01-20. Review status: criteria provided, single submitter. Criteria: LabCorp Variant Classification Summary - May 2015. Collection method: clinical testing. Allele origin: germline.
Comment: Variant summary: NAGLU c.1804C>G (p.Leu602Val) results in a conservative amino acid change in the encoded protein sequence. Algorithms developed to predict the effect of missense changes on protein structure and function are either unavailable or do not agree on the potential impact of this missense change. The variant was absent in 231834 control chromosomes. The available data on variant occurrences in the general population are insufficient to allow any conclusion about variant significance. To our knowledge, no occurrence of c.1804C>G in individuals affected with NAGLU-related conditions and no experimental evidence demonstrating its impact on protein function have been reported. No submitters have cited clinical-significance assessments for this variant to ClinVar. Based on the evidence outlined above, the variant was classified as uncertain significance.

NM_000263.4(NAGLU):c.1804C>G (p.Leu602Val)

Gene: NAGLU (N-acetyl-alpha-glucosaminidase; plus strand). Cytogenetic location: 17q21.2.
Variant type: single nucleotide variant.
Coding change: c.1804C>G on transcript NM_000263.4 (MANE Select); coding-DNA position 1804, C replaced by G.
Protein change: p.Leu602Val; replaces leucine 602 with valine.
Molecular consequence: missense variant.
Genome position (GRCh38, 1-based): chr17:42,543,810, C>G. VCF-style: chr17-42543810-C-G. GRCh37 (hg19) VCF-style: chr17-40695828-C-G.
Other names: short protein forms L602V.
Identifiers: ClinVar variation 4689194 (VCV004689194.1).